The following is an entry in ClinVar:

ClinVar aggregate classification (germline): Uncertain significance (1 of 4 stars; one submission).

Submission:

GeneDx
Classification: Uncertain significance. Last evaluated: 2025-07-07. Review status: criteria provided, single submitter. Criteria: GeneDx Variant Classification Process June 2021. Collection method: clinical testing. Allele origin: germline. Affected: yes.
Comment: Has not been previously published as pathogenic or benign to our knowledge; Not observed at significant frequency in large population cohorts (gnomAD); In silico analysis suggests that this missense variant does not alter protein structure/function

NM_020338.4(ZMIZ1):c.182G>A (p.Ser61Asn)

Gene: ZMIZ1 (zinc finger MIZ-type containing 1; plus strand). Cytogenetic location: 10q22.3.
Variant type: single nucleotide variant.
Coding change: c.182G>A on transcript NM_020338.4 (MANE Select); coding-DNA position 182, G replaced by A.
Protein change: p.Ser61Asn; replaces serine 61 with asparagine.
Molecular consequence: missense variant.
Genome position (GRCh38, 1-based): chr10:79,216,176, G>A. VCF-style: chr10-79216176-G-A. GRCh37 (hg19) VCF-style: chr10-80975933-G-A.
Other names: short protein forms S61N.
Identifiers: ClinVar variation 4685407 (VCV004685407.1).